The following is an entry in ClinVar:

NM_001256789.3(CACNA1F):c.5840T>A (p.Ile1947Asn)

Gene: CACNA1F (calcium voltage-gated channel subunit alpha1 F; minus strand). Cytogenetic location: Xp11.23.
Variant type: single nucleotide variant.
Coding change: c.5840T>A on transcript NM_001256789.3 (MANE Select); coding-DNA position 5840, T replaced by A.
Protein change: p.Ile1947Asn; replaces isoleucine 1947 with asparagine.
Molecular consequence: missense variant.
Genome position (GRCh38, 1-based): chrX:49,205,198, A>T on the plus strand (T>A on the coding strand, the complement: CACNA1F is on the minus strand). VCF-style: chrX-49205198-A-T. GRCh37 (hg19) VCF-style: chrX-49061658-A-T.
Other names: c.5678T>A, p.Ile1893Asn (NM_001256790.3); c.5873T>A, p.Ile1958Asn (NM_005183.4); short protein forms I1958N, I1893N, I1947N.
Identifiers: ClinVar variation 4717319 (VCV004717319.1).
Genomic context (GRCh38, chrX:49,205,198, plus strand): 5'-CAGAGGGCGTGGACGCAGGCCATCTCGTCTCCCAAGTCCTCCTCATCGAAGCGGGAGAGG[A>T]TGGACTCCTCGTCGCTATAGAGAGAGCTGGTTCCCTGTGCCAGCAGGTCACTGGCAGCAT-3'
Protein context (NP_001243718.1, residues 1937-1957): TSSLYSDEES[Ile1947Asn]LSRFDEEDLG

ClinVar aggregate classification (germline): Uncertain significance (1 of 4 stars; one submission).

gnomAD v4.1: 1 of 1,210,979 alleles (0.000083%); highest among the groups gnomAD compares: Non-Finnish European, 0.00011%; no homozygotes.

Submission:

Labcorp Genetics (formerly Invitae), Labcorp
Classification: Uncertain significance. Last evaluated: 2025-04-11. Review status: criteria provided, single submitter. Criteria: Invitae Variant Classification Sherloc (09022015). Collection method: clinical testing. Allele origin: germline.
Comment: This sequence change replaces isoleucine, which is neutral and non-polar, with asparagine, which is neutral and polar, at codon 1958 of the CACNA1F protein (p.Ile1958Asn). This variant is not present in population databases (gnomAD no frequency). This variant has not been reported in the literature in individuals affected with CACNA1F-related conditions. An algorithm developed to predict the effect of missense changes on protein structure and function (PolyPhen-2) suggests that this variant is likely to be tolerated. In summary, the available evidence is currently insufficient to determine the role of this variant in disease. Therefore, it has been classified as a Variant of Uncertain Significance.